The following is an entry in ClinVar:

ClinVar aggregate classification (germline): Pathogenic. Review status: reviewed by expert panel (3 of 4 stars). 6 submissions from 6 submitters: Pathogenic (1). 5 of the submissions do not count toward it. Last evaluated 2016-09-08.

Conditions:
Hereditary breast ovarian cancer syndrome. Also called: Hereditary breast and ovarian cancer syndrome; Breast and ovarian cancer; BRCA1- and BRCA2-Associated Hereditary Breast and Ovarian Cancer; Hereditary breast and ovarian cancer; Hereditary breast and ovarian cancer syndrome (HBOC); Hereditary breast and/or ovarian cancer syndrome. Identifiers: Orphanet 145, MedGen C0677776, MeSH D061325, MONDO:0003582. Disease mechanism: loss of function.
Breast-ovarian cancer, familial, susceptibility to, 2 (BROVCA2). Also called: BRCA2 Hereditary Breast and Ovarian Cancer. Identifiers: Orphanet 145, MedGen C2675520, MONDO:0012933, OMIM 612555. Disease mechanism: loss of function.
Familial cancer of breast. Also called: hereditary breast carcinoma; Hereditary breast cancer; BREAST CANCER, FAMILIAL. Identifiers: Orphanet 227535, MedGen C0346153, MONDO:0016419, OMIM 114480. Disease mechanism: loss of function.

Submissions (6):

Evidence-based Network for the Interpretation of Germline Mutant Alleles (ENIGMA)
Classification: Pathogenic for Breast-ovarian cancer, familial, susceptibility to, 2. Last evaluated: 2016-09-08. Review status: reviewed by expert panel. Criteria: ENIGMA BRCA1/2 Classification Criteria (2015). Collection method: curation. Allele origin: germline.
Comment: Variant allele predicted to encode a truncated non-functional protein.

Variantyx, Inc.
Classification: Pathogenic for Breast-ovarian cancer, familial, susceptibility to, 2. Last evaluated: 2025-05-21. Review status: criteria provided, single submitter. Criteria: Variantyx Assertion Criteria 2022. Collection method: clinical testing. Allele origin: germline. Inheritance: Autosomal dominant inheritance. Affected: yes. Not counted in ClinVar's aggregate classification.
Comment: This is a frameshift variant in the BRCA2 gene (OMIM: 600185). Pathogenic variants in this gene have been associated with autosomal dominant susceptibility to familial breast-ovarian cancer 2. This variant introduces a premature termination codon in exon 11 out of 27 and is expected to result in loss of function, which is a known disease mechanism for BRCA2 in this disorder (PMID: 20104584, 39142283) (PVS1). This variant has been reported in the heterozygous state in affected individuals (PMID: 17301269, 29446198). Other premature truncation variants in this exon have been reported to be pathogenic (PM5_PTC_Strong) (PMID:¬†39142283), and other reputable laboratories have reported this variant as pathogenic or likely pathogenic, and this classification has been validated by an expert panel in ClinVar. This variant is absent from control populations (PM2). Based on the current evidence, this variant is classified as pathogenic for autosomal dominant susceptibility to familial breast-ovarian cancer 2.

Baylor Genetics
Classification: Pathogenic for Familial cancer of breast. Last evaluated: 2022-10-07. Review status: criteria provided, single submitter. Criteria: ACMG Guidelines, 2015. Collection method: clinical testing. Allele origin: unknown. Not counted in ClinVar's aggregate classification.

Labcorp Genetics (formerly Invitae), Labcorp
Classification: Pathogenic for Hereditary breast ovarian cancer syndrome. Last evaluated: 2021-10-12. Review status: criteria provided, single submitter. Criteria: Invitae Variant Classification Sherloc (09022015). Collection method: clinical testing. Allele origin: germline. Not counted in ClinVar's aggregate classification.
Comment: This premature translational stop signal has been observed in individual(s) with familial pancreatic cancer and a personal and/or family history of breast and ovarian cancer (PMID: 17301269, 29446198). This sequence change creates a premature translational stop signal (p.Asn1279Lysfs*5) in the BRCA2 gene. It is expected to result in an absent or disrupted protein product. Loss-of-function variants in BRCA2 are known to be pathogenic (PMID: 20104584). This variant is not present in population databases (ExAC no frequency). This variant is also known as 4065delT. ClinVar contains an entry for this variant (Variation ID: 51536). For these reasons, this variant has been classified as Pathogenic.

Consortium of Investigators of Modifiers of BRCA1/2 (CIMBA), c/o University of Cambridge
Classification: Pathogenic for Breast-ovarian cancer, familial, susceptibility to, 2. Last evaluated: 2015-10-02. Review status: criteria provided, single submitter. Criteria: CIMBA Mutation Classification guidelines May 2016. Collection method: clinical testing. Allele origin: germline. Not counted in ClinVar's aggregate classification.

Breast Cancer Information Core (BIC) (BRCA2)
Classification: Pathogenic for Breast-ovarian cancer, familial 2. Last evaluated: 2000-11-10. Review status: no assertion criteria provided. Collection method: clinical testing. Allele origin: germline. Affected: yes. Observed: 2 variant alleles. Not counted in ClinVar's aggregate classification.

Literature cited by the submitters: PubMed 20104584 (cited by Variantyx, Inc. and Labcorp Genetics (formerly Invitae), Labcorp); PubMed 39142283 (cited by Variantyx, Inc.); PubMed 17301269 (cited by Labcorp Genetics (formerly Invitae), Labcorp); PubMed 29446198 (cited by Labcorp Genetics (formerly Invitae), Labcorp).

NM_000059.4(BRCA2):c.3837del (p.Asn1279fs)

Gene: BRCA2 (BRCA2 DNA repair associated; plus strand). Cytogenetic location: 13q13.1.
Variant type: Deletion.
Coding change: c.3837del on transcript NM_000059.4 (MANE Select); coding-DNA position 3837, one base deleted (T; older notation c.3837delT).
Protein change: p.Asn1279fs; shifts the reading frame from asparagine 1279.
Molecular consequence: frameshift variant.
Genome position (GRCh38, 1-based): chr13:32,338,192, T deleted. VCF-style (leftmost placement, unchanged base first): chr13-32338191-AT-A. GRCh37 (hg19) VCF-style: chr13-32912328-AT-A.
Other names: 4065delT; c.3837delT (NM_000059.3).
Identifiers: ClinVar variation 51536 (VCV000051536.14), dbSNP rs80359404, ClinGen allele CA018900.